The following is an entry in ClinVar:

NM_003024.3(ITSN1):c.4884G>A (p.Gln1628=)

Gene: ITSN1 (intersectin 1; plus strand). Cytogenetic location: 21q22.11.
Variant type: single nucleotide variant.
Coding change: c.4884G>A on transcript NM_003024.3 (MANE Select); coding-DNA position 4884, G replaced by A.
Protein change: p.Gln1628=; no amino-acid change (glutamine 1628 retained).
Molecular consequence: synonymous variant.
Genome position (GRCh38, 1-based): chr21:33,886,327, G>A. VCF-style: chr21-33886327-G-A. GRCh37 (hg19) VCF-style: chr21-35258631-G-A.
Other names: c.4869G>A, p.Gln1623= (NM_001331010.2).
Identifiers: ClinVar variation 3039558 (VCV003039558.11), dbSNP rs148344411, ClinGen allele CA10012577.

ClinVar aggregate classification (germline): Likely benign. Review status: criteria provided, multiple submitters, no conflicts (2 of 4 stars). 3 submissions from 3 submitters: Likely benign (2). 1 of the submissions does not count toward it. Last evaluated 2025-08-01.

Conditions:
ITSN1-related disorder. Also called: ITSN1-related condition.

Allele frequency attached by ClinVar (database versions not stated): ESP Exome Variant Server 0.00008; ExAC 0.00026; 1000 Genomes Project 0.00060; gnomAD 0.00074; 1000 Genomes Project 30x 0.00078; TOPMed 0.00135.
gnomAD v4.1: 434 of 1,614,038 alleles (0.027%); highest among the groups gnomAD compares: Middle Eastern, 0.66%; 2 homozygotes.

Submissions (3):

CeGaT Center for Human Genetics Tuebingen
Classification: Likely benign. Last evaluated: 2025-08-01. Review status: criteria provided, single submitter. Criteria: CeGaT Center For Human Genetics Tuebingen Variant Classification Criteria Version 2. Collection method: clinical testing. Allele origin: germline. Affected: yes. Observed: 1 variant allele.
Comment: ITSN1: BP4, BP7

Laboratory of Genetics, Children's Clinical University Hospital Latvia
Classification: Likely benign. Last evaluated: 2025-02-16. Review status: criteria provided, single submitter. Criteria: ACMG Guidelines, 2015. Collection method: clinical testing. Allele origin: germline. Affected: yes.

PreventionGenetics, part of Exact Sciences
Classification: Likely benign for ITSN1-related condition. Last evaluated: 2019-05-20. Review status: no assertion criteria provided. Collection method: clinical testing. Allele origin: germline. Not counted in ClinVar's aggregate classification.
Comment: This variant is classified as likely benign based on ACMG/AMP sequence variant interpretation guidelines (Richards et al. 2015 PMID: 25741868, with internal and published modifications).